The following is an entry in ClinVar:

ClinVar aggregate classification (germline): Uncertain significance (1 of 4 stars; one submission).

Submission:

GeneDx
Classification: Uncertain significance. Last evaluated: 2023-05-05. Review status: criteria provided, single submitter. Criteria: GeneDx Variant Classification Process June 2021. Collection method: clinical testing. Allele origin: germline. Affected: yes.
Comment: Not observed at significant frequency in large population cohorts (gnomAD); In silico analysis supports that this missense variant has a deleterious effect on protein structure/function; Has not been previously published as pathogenic or benign to our knowledge

NM_001015877.2(PHF6):c.331G>A (p.Asp111Asn)

Gene: PHF6 (PHD finger protein 6; plus strand). Cytogenetic location: Xq26.2.
Variant type: single nucleotide variant.
Coding change: c.331G>A on transcript NM_001015877.2 (MANE Select); coding-DNA position 331, G replaced by A.
Protein change: p.Asp111Asn; replaces aspartic acid 111 with asparagine.
Molecular consequence: missense variant.
Genome position (GRCh38, 1-based): chrX:134,393,591, G>A. VCF-style: chrX-134393591-G-A. GRCh37 (hg19) VCF-style: chrX-133527621-G-A.
Other names: c.331G>A, p.Asp111Asn (NM_032335.3, NM_032458.3); short protein forms D111N.
Identifiers: ClinVar variation 3343338 (VCV003343338.1).